The following is an entry in ClinVar:

NM_153026.3(PRICKLE1):c.817C>T (p.His273Tyr)

Genes: PRICKLE1 (prickle planar cell polarity protein 1; minus strand), LOC126861509 (BRD4-independent group 4 enhancer GRCh37_chr12:42858567-42859766; plus strand). Cytogenetic location: 12q12.
Variant type: single nucleotide variant.
Coding change: c.817C>T on transcript NM_153026.3 (MANE Select); coding-DNA position 817, C replaced by T.
Protein change: p.His273Tyr; replaces histidine 273 with tyrosine.
Molecular consequence: missense variant.
Genome position (GRCh38, 1-based): chr12:42,465,217, G>A on the plus strand (C>T on the coding strand, the complement: PRICKLE1 is on the minus strand). VCF-style: chr12-42465217-G-A. GRCh37 (hg19) VCF-style: chr12-42859019-G-A.
Other names: c.817C>T, p.His273Tyr (NM_001144881.2, NM_001144882.2, NM_001144883.2); short protein forms H273Y.
Identifiers: ClinVar variation 2162934 (VCV002162934.2), dbSNP rs2503420752, ClinGen allele CA384443088.
Genomic context (GRCh38, chr12:42,465,217, plus strand): 5'-AGGGACATCCCAACAAAGAGGCTTTACACTGGGCACAAGAAAAGCAGGCTTCCGTGGCGT[G>A]CCAGTGCTGCCCGTCATAGGTCATCTGTGCATGGTCCACACCTGTTTTGAAAAGGATAGA-3'
Protein context (NP_694571.2, residues 263-283): AQMTYDGQHW[His273Tyr]ATEACFSCAQ

ClinVar aggregate classification (germline): Uncertain significance (1 of 4 stars; one submission).

Conditions:
Epilepsy, progressive myoclonic, 1B. Also called: PME. Identifiers: Orphanet 308, MedGen C2676254, MONDO:0012904, OMIM 612437.

Submissions (2):

Labcorp Genetics (formerly Invitae), Labcorp
Classification: Uncertain significance for Epilepsy, progressive myoclonic, 1B. Last evaluated: 2022-06-24. Review status: criteria provided, single submitter. Criteria: Invitae Variant Classification Sherloc (09022015). Collection method: clinical testing. Allele origin: germline.
Comment: This sequence change replaces histidine, which is basic and polar, with tyrosine, which is neutral and polar, at codon 273 of the PRICKLE1 protein (p.His273Tyr). This variant is not present in population databases (gnomAD no frequency). This variant has not been reported in the literature in individuals affected with PRICKLE1-related conditions. Algorithms developed to predict the effect of missense changes on protein structure and function are either unavailable or do not agree on the potential impact of this missense change (SIFT: "Deleterious"; PolyPhen-2: "Probably Damaging"; Align-GVGD: "Class C0"). In summary, the available evidence is currently insufficient to determine the role of this variant in disease. Therefore, it has been classified as a Variant of Uncertain Significance.

Dr. Peter K. Rogan Lab, Western University
No classification provided (evidence only). Condition: Thyroid cancer, nonmedullary, 1. Review status: no classification provided. Collection method: in vitro. Allele origin: not applicable. Functional consequence: retained intron. Not counted in ClinVar's aggregate classification.